The following is an entry in ClinVar:

ClinVar aggregate classification (germline): Uncertain significance. Review status: criteria provided, multiple submitters, no conflicts (2 of 4 stars). 2 submissions from 2 submitters: Uncertain significance (2). Last evaluated 2026-08-13.

Conditions:
TOPORS-related disorder. Also called: TOPORS-related condition.

gnomAD v4.1: 5 of 1,614,088 alleles (0.00031%); highest among the groups gnomAD compares: Non-Finnish European, 0.00042%; no homozygotes.

Submissions (2):

PreventionGenetics, part of Exact Sciences
Classification: Uncertain significance for TOPORS-related condition. Last evaluated: 2026-08-13. Review status: criteria provided, single submitter. Criteria: ACMG Guidelines, 2015. Collection method: clinical testing. Allele origin: germline.
Comment: The TOPORS c.682C>G variant is predicted to result in the amino acid substitution p.Pro228Ala. To our knowledge, this variant has not been reported in the literature. This variant is absent in a large population database (gnomAD), indicating this variant is rare. At this time, the clinical significance of this variant is uncertain due to the absence of conclusive functional and genetic evidence.

Blueprint Genetics
Classification: Uncertain significance. Last evaluated: 2023-11-29. Review status: criteria provided, single submitter. Criteria: ACMG Guidelines, 2015. Collection method: clinical testing. Allele origin: germline.

NM_005802.5(TOPORS):c.682C>G (p.Pro228Ala)

Gene: TOPORS (TOP1 binding arginine/serine rich protein, E3 ubiquitin ligase; minus strand). Cytogenetic location: 9p21.1.
Variant type: single nucleotide variant.
Coding change: c.682C>G on transcript NM_005802.5 (MANE Select); coding-DNA position 682, C replaced by G.
Protein change: p.Pro228Ala; replaces proline 228 with alanine.
Molecular consequence: missense variant.
Genome position (GRCh38, 1-based): chr9:32,543,843, G>C on the plus strand (C>G on the coding strand, the complement: TOPORS is on the minus strand). VCF-style: chr9-32543843-G-C. GRCh37 (hg19) VCF-style: chr9-32543841-G-C.
Other names: c.487C>G, p.Pro163Ala (NM_001195622.2); c.682C>G (NM_005802.4); short protein forms P228A, P163A.
Identifiers: ClinVar variation 4902945 (VCV004902945.2).